The following is an entry in ClinVar:

ClinVar aggregate classification (germline): Likely pathogenic (1 of 4 stars; one submission).

Conditions:
Merosin deficient congenital muscular dystrophy (MDC1A). Also called: Congenital merosin-deficient muscular dystrophy 1A; Congenital Muscular Dystrophy Type 1A (MDC1A). Identifiers: Orphanet 258, MedGen C1263858, MONDO:0011925, OMIM 607855.

Submission:

Neuberg Centre For Genomic Medicine, NCGM
Classification: Likely pathogenic for Merosin deficient congenital muscular dystrophy. Review status: criteria provided, single submitter. Criteria: ACMG Guidelines, 2015. Collection method: clinical testing. Allele origin: germline. Inheritance: Autosomal recessive inheritance. Affected: yes.
Comment: The observed frame shift variant c.5838del (p.Asp1947IlefsTer17) in LAMA2 gene has not been reported previously as a pathogenic variant nor as a benign variant, to our knowledge. The p.Asp1947IlefsTer17 variant is absent in gnomAD Exomes. This variant has not been submitted to the ClinVar database. This variant causes a frameshift starting with codon Aspartic Acid 1947, changes this amino acid to Isoleucine residue, and creates a premature Stop codon at position 17 of the new reading frame, denoted p.Asp1947IlefsTer17. This variant is predicted to cause loss of normal protein function through protein truncation. Loss of function variants have been previously reported to be disease causing. For these reasons, this variant has been classified as Likely Pathogenic.

NM_000426.4(LAMA2):c.5838del (p.Asp1947fs)

Gene: LAMA2 (laminin subunit alpha 2; plus strand). Cytogenetic location: 6q22.33.
Variant type: Deletion.
Coding change: c.5838del on transcript NM_000426.4 (MANE Select); coding-DNA position 5838, one base deleted (A; older notation c.5838delA).
Protein change: p.Asp1947fs; shifts the reading frame from aspartic acid 1947.
Molecular consequence: frameshift variant.
Genome position (GRCh38, 1-based): chr6:129,403,932, A deleted; the last of 3 consecutive A bases (chr6:129,403,930-129,403,932); deleting any one gives the same sequence. VCF-style (leftmost placement, unchanged base first): chr6-129403929-CA-C. GRCh37 (hg19) VCF-style: chr6-129725074-CA-C.
Other names: c.5838del, p.Asp1947fs (NM_001079823.2); short protein forms D1947fs.
Identifiers: ClinVar variation 3250469 (VCV003250469.1), dbSNP rs2533301924.
Genomic context (GRCh38, chr6:129,403,929, plus strand): 5'-CAAAGCTTACAGCAATATTAAGGACTATATTGATGAAGCTGAGAAAGTTGCCAAAGAAGC[CA>C]AAGATCTTGCACATGAAGCTACAAAACTGGTAAGAAACAAATGGCACATGTGCTGGGAAT-3'